The following is an entry in ClinVar:

ClinVar aggregate classification (germline): Conflicting classifications of pathogenicity. Review status: criteria provided, conflicting classifications (1 of 4 stars). 9 submissions from 8 submitters: Likely pathogenic (1); Uncertain significance (8). Last evaluated 2025-05-13.

Conditions:
EAST syndrome (SESAMES). Also called: SEIZURES, SENSORINEURAL DEAFNESS, ATAXIA, IMPAIRED INTELLECTUAL DEVELOPMENT, AND ELECTROLYTE IMBALANCE. Identifiers: Orphanet 199343, MedGen C2748572, MONDO:0013005, OMIM 612780.
Autosomal recessive nonsyndromic hearing loss 4 (DFNB4). Also called: NEUROSENSORY NONSYNDROMIC RECESSIVE DEAFNESS 4; FOXI1-Related Pendred Syndrome; KCNJ10-Related Pendred Syndrome; DEAFNESS, AUTOSOMAL RECESSIVE 4, WITH ENLARGED VESTIBULAR AQUEDUCT, DIGENIC; Nonsyndromic enlarged vestibular aqueduct (NSEVA); Deafness, autosomal recessive 4, with enlarged vestibular aqueduct. Identifiers: Orphanet 90636, MedGen C3538946, MONDO:0010933, OMIM 600791.
Pendred syndrome (PDS). Also called: Pendred's syndrome; DEAFNESS WITH GOITER; GOITER-DEAFNESS SYNDROME; HYPOTHYROIDISM, CONGENITAL, DUE TO DYSHORMONOGENESIS, 2B; Pendred Syndrome (PDS); THYROID DYSHORMONOGENESIS 2B. Identifiers: Orphanet 705, MedGen C0271829, MONDO:0010134, OMIM 274600.

Allele frequency attached by ClinVar (database versions not stated): gnomAD 0.00001 and 0.00002; TOPMed 0.00001; gnomAD exomes 0.00002; 1000 Genomes Project 30x 0.00016; 1000 Genomes Project 0.00020.

Submissions (9):

Labcorp Genetics (formerly Invitae), Labcorp
Classification: Uncertain significance for EAST syndrome. Last evaluated: 2025-05-13. Review status: criteria provided, single submitter. Criteria: Invitae Variant Classification Sherloc (09022015). Collection method: clinical testing. Allele origin: germline.
Comment: This sequence change replaces leucine, which is neutral and non-polar, with phenylalanine, which is neutral and non-polar, at codon 218 of the KCNJ10 protein (p.Leu218Phe). This variant is present in population databases (rs558502886, gnomAD 0.009%). This missense change has been observed in individual(s) with severe epilepsy and profound developmental delay (PMID: 28747464). ClinVar contains an entry for this variant (Variation ID: 205829). Invitae Evidence Modeling of protein sequence and biophysical properties (such as structural, functional, and spatial information, amino acid conservation, physicochemical variation, residue mobility, and thermodynamic stability) indicates that this missense variant is not expected to disrupt KCNJ10 protein function with a negative predictive value of 95%. Experimental studies have shown that this missense change affects KCNJ10 function (PMID: 28747464). In summary, the available evidence is currently insufficient to determine the role of this variant in disease. Therefore, it has been classified as a Variant of Uncertain Significance.

GeneDx
Classification: Uncertain significance. Last evaluated: 2025-04-23. Review status: criteria provided, single submitter. Criteria: GeneDx Variant Classification Process June 2021. Collection method: clinical testing. Allele origin: germline. Affected: yes.
Comment: Reported in a patient with seizures and developmental deficits; however, another variant in a dominant gene was also observed (PMID: 28747464); In silico analysis supports that this missense variant has a deleterious effect on protein structure/function; This variant is associated with the following publications: (PMID: 28747464, 34426522, 35370765, 36539902)

Blueprint Genetics
Classification: Uncertain significance. Last evaluated: 2024-09-04. Review status: criteria provided, single submitter. Criteria: ACMG Guidelines, 2015. Collection method: clinical testing. Allele origin: germline.

Genetics Laboratory, Department of Biology, Semnan University
Classification: Likely pathogenic for EAST syndrome. Last evaluated: 2023-06-18. Review status: criteria provided, single submitter. Criteria: ACMG Guidelines, 2015. Collection method: research. Allele origin: germline. Inheritance: Autosomal recessive inheritance. Affected: yes. Observed: 1 variant allele, 1 homozygote.
Comment: The identified variant leads to the substitution of leucin 218 with Phenylalanine (L218F) in the KCNJ10 protein. Hence, this substitution could alter the amino acid sequence and could leads to a decreased function of mutated protein. The WES was performed for about 100 million reads, using the Illumina Hiseq2000 sequencer platform and Agilent SureSelect Human All Exon V7 kit (Agilent, Santa Clara, USA). Data filtering was first performed based on frequency and then according to intronic, upstream, downstream, 3'-UTR, 5'-UTR, intergenic and other non-coding variants. At final step, synonymous mutations were also fltered. In general, test platform examined more than 95% of the targeted regions with sensitivity of > 99%. The results of WES were analyzed by bioinformatics tools BWA aligner, GATK, and Annovar and public databases ClinVar, gnomAD, Kaviar, and GME. In addition, ACMG (American College of Medical Genetics) guidelines and local population database with more than 7000 unrelated individuals were utilized. As control, 250 healthy individuals with the same ethnicity as the studied patient were also screened for the mutation found. Online bioinformatics tools MutationTaster, SIFT, and CADD_phred software were used to predict the pathogenic effects of the mutation.

Fulgent Genetics
Classification: Uncertain significance for Pendred syndrome; Autosomal recessive nonsyndromic hearing loss 4; EAST syndrome. Last evaluated: 2022-02-06. Review status: criteria provided, single submitter. Criteria: ACMG Guidelines, 2015. Collection method: clinical testing. Allele origin: unknown.

Dubai Health Genomic Medicine Center, Dubai Health
Classification: Uncertain significance for EAST syndrome. Last evaluated: 2020-09-24. Review status: criteria provided, single submitter. Criteria: ACMG Guidelines, 2015. Collection method: clinical testing. Allele origin: germline. Affected: yes.

Illumina Laboratory Services, Illumina
Classification: Uncertain significance for EAST syndrome. Last evaluated: 2018-01-13. Review status: criteria provided, single submitter. Criteria: ICSL Variant Classification Criteria 13 December 2019. Collection method: clinical testing. Allele origin: germline.

Illumina Laboratory Services, Illumina
Classification: Uncertain significance for Autosomal recessive nonsyndromic hearing loss 4. Last evaluated: 2018-01-13. Review status: criteria provided, single submitter. Criteria: ICSL Variant Classification Criteria 13 December 2019. Collection method: clinical testing. Allele origin: germline.

Breakthrough Genomics
Classification: Uncertain significance. Review status: criteria provided, single submitter. Criteria: ACMG Guidelines, 2015. Collection method: not provided. Allele origin: germline. Inheritance: Autosomal recessive inheritance. Affected: yes.

Literature cited by the submitters: PubMed 28747464 (cited by Labcorp Genetics (formerly Invitae), Labcorp); DOI 10.1002/mgg3.70194 (cited by Genetics Laboratory, Department of Biology, Semnan University).

NM_002241.5(KCNJ10):c.652C>T (p.Leu218Phe)

Gene: KCNJ10 (potassium inwardly rectifying channel subfamily J member 10; minus strand). Cytogenetic location: 1q23.2.
Variant type: single nucleotide variant.
Coding change: c.652C>T on transcript NM_002241.5 (MANE Select); coding-DNA position 652, C replaced by T.
Protein change: p.Leu218Phe; replaces leucine 218 with phenylalanine.
Molecular consequence: missense variant.
Genome position (GRCh38, 1-based): chr1:160,041,881, G>A on the plus strand (C>T on the coding strand, the complement: KCNJ10 is on the minus strand). VCF-style: chr1-160041881-G-A. GRCh37 (hg19) VCF-style: chr1-160011671-G-A.
Other names: p.L218F:CTT>TTT; short protein forms L218F.
Identifiers: ClinVar variation 205829 (VCV000205829.20), dbSNP rs558502886, ClinGen allele CA315284.
Genomic context (GRCh38, chr1:160,041,881, plus strand): 5'-AAGTCACATTGACCTGGTTGAGCCGGATGTTCTCCCCTTCCTTGGTTTGGTGGGTCTGAA[G>A]CAGTTTTCCTGTCACCTGGCAGCCAATGAGGAGGCTTTTGCGCATATTGGCAACTCGGAT-3'
Protein context (NP_002232.2, residues 208-228): LIGCQVTGKL[Leu218Phe]QTHQTKEGEN